The following is an entry in ClinVar:

ClinVar aggregate classification (germline): Uncertain significance (1 of 4 stars; one submission).

Conditions:
Norman-Roberts syndrome (LIS2). Also called: Lissencephaly 2 (Norman-Roberts type). Identifiers: Orphanet 89844, MedGen C0796089, MONDO:0009760, OMIM 257320.
Familial temporal lobe epilepsy 7. Identifiers: Orphanet 101046, MedGen C4225327, MONDO:0014639, OMIM 616436.

Submission:

Labcorp Genetics (formerly Invitae), Labcorp
Classification: Uncertain significance for Familial temporal lobe epilepsy 7; Norman-Roberts syndrome. Last evaluated: 2024-04-16. Review status: criteria provided, single submitter. Criteria: Invitae Variant Classification Sherloc (09022015). Collection method: clinical testing. Allele origin: germline.
Comment: This sequence change replaces glycine, which is neutral and non-polar, with arginine, which is basic and polar, at codon 2494 of the RELN protein (p.Gly2494Arg). This variant is not present in population databases (gnomAD no frequency). This variant has not been reported in the literature in individuals affected with RELN-related conditions. Advanced modeling of protein sequence and biophysical properties (such as structural, functional, and spatial information, amino acid conservation, physicochemical variation, residue mobility, and thermodynamic stability) performed at Invitae indicates that this missense variant is not expected to disrupt RELN protein function with a negative predictive value of 80%. In summary, the available evidence is currently insufficient to determine the role of this variant in disease. Therefore, it has been classified as a Variant of Uncertain Significance.

NM_005045.4(RELN):c.7480G>A (p.Gly2494Arg)

Gene: RELN (reelin; minus strand). Cytogenetic location: 7q22.1.
Variant type: single nucleotide variant.
Coding change: c.7480G>A on transcript NM_005045.4 (MANE Select); coding-DNA position 7480, G replaced by A.
Protein change: p.Gly2494Arg; replaces glycine 2494 with arginine.
Molecular consequence: missense variant.
Genome position (GRCh38, 1-based): chr7:103,523,401, C>T on the plus strand (G>A on the coding strand, the complement: RELN is on the minus strand). VCF-style: chr7-103523401-C-T. GRCh37 (hg19) VCF-style: chr7-103163848-C-T.
Other names: c.7480G>A, p.Gly2494Arg (NM_173054.3); short protein forms G2494R.
Identifiers: ClinVar variation 3753001 (VCV003753001.2).